The following is an entry in ClinVar:

ClinVar aggregate classification (germline): Uncertain significance (1 of 4 stars; one submission).

Allele frequency attached by ClinVar (database versions not stated): gnomAD exomes 0.00001; ExAC 0.00002.
gnomAD v4.1: 3 of 1,610,590 alleles (0.00019%); highest among the groups gnomAD compares: Admixed American, 0.0033%; no homozygotes.

Submission:

Labcorp Genetics (formerly Invitae), Labcorp
Classification: Uncertain significance. Last evaluated: 2023-06-09. Review status: criteria provided, single submitter. Criteria: Invitae Variant Classification Sherloc (09022015). Collection method: clinical testing. Allele origin: germline.
Comment: This sequence change replaces histidine, which is basic and polar, with arginine, which is basic and polar, at codon 401 of the MICAL1 protein (p.His401Arg). This variant is present in population databases (rs774278203, gnomAD 0.006%). This variant has not been reported in the literature in individuals affected with MICAL1-related conditions. An algorithm developed to predict the effect of missense changes on protein structure and function (PolyPhen-2) suggests that this variant is likely to be tolerated. In summary, the available evidence is currently insufficient to determine the role of this variant in disease. Therefore, it has been classified as a Variant of Uncertain Significance.

NM_022765.4(MICAL1):c.1145A>G (p.His382Arg)

Gene: MICAL1 (microtubule associated monooxygenase, calponin and LIM domain containing 1; minus strand). Cytogenetic location: 6q21.
Variant type: single nucleotide variant.
Coding change: c.1145A>G on transcript NM_022765.4 (MANE Select); coding-DNA position 1145, A replaced by G.
Protein change: p.His382Arg; replaces histidine 382 with arginine.
Molecular consequence: missense variant. On other transcripts: intron variant (1).
Genome position (GRCh38, 1-based): chr6:109,450,346, T>C on the plus strand (A>G on the coding strand, the complement: MICAL1 is on the minus strand). VCF-style: chr6-109450346-T-C. GRCh37 (hg19) VCF-style: chr6-109771549-T-C.
Other names: c.1202A>G, p.His401Arg (NM_001286613.2); c.934-261A>G (NM_001159291.2); short protein forms H401R, H382R.
Identifiers: ClinVar variation 2857878 (VCV002857878.3), dbSNP rs774278203, ClinGen allele CA3953495.